The following is an entry in ClinVar:

NM_000452.3(SLC10A2):c.260C>G (p.Ser87Trp)

Gene: SLC10A2 (solute carrier family 10 member 2; minus strand). Cytogenetic location: 13q33.1.
Variant type: single nucleotide variant.
Coding change: c.260C>G on transcript NM_000452.3 (MANE Select); coding-DNA position 260, C replaced by G.
Protein change: p.Ser87Trp; replaces serine 87 with tryptophan.
Molecular consequence: missense variant.
Genome position (GRCh38, 1-based): chr13:103,065,990, G>C on the plus strand (C>G on the coding strand, the complement: SLC10A2 is on the minus strand). VCF-style: chr13-103065990-G-C. GRCh37 (hg19) VCF-style: chr13-103718340-G-C.
Other names: short protein forms S87W.
Identifiers: ClinVar variation 2025383 (VCV002025383.4), dbSNP rs1456902073, ClinGen allele CA388609162.
Genomic context (GRCh38, chr13:103,065,990, plus strand): 5'-GGGCAGCATCCTATAATGAGCACCACTACGGCCTGGAGCGGGAGGATGTCAAAGGCCACC[G>C]ACAGGATGAATCCTGTGAGGGGCATGATTCCAAACTGACAGAGGAAGCCAACACAAATGC-3'
Protein context (NP_000443.2, residues 77-97): GIMPLTGFIL[Ser87Trp]VAFDILPLQA

ClinVar aggregate classification (germline): Uncertain significance (1 of 4 stars; one submission).

gnomAD v4.1: 11 of 1,613,980 alleles (0.00068%); highest among the groups gnomAD compares: Non-Finnish European, 0.00076%; no homozygotes.

Submission:

Labcorp Genetics (formerly Invitae), Labcorp
Classification: Uncertain significance. Last evaluated: 2024-08-20. Review status: criteria provided, single submitter. Criteria: Invitae Variant Classification Sherloc (09022015). Collection method: clinical testing. Allele origin: germline.
Comment: This sequence change replaces serine, which is neutral and polar, with tryptophan, which is neutral and slightly polar, at codon 87 of the SLC10A2 protein (p.Ser87Trp). This variant is present in population databases (no rsID available, gnomAD 0.002%). This variant has not been reported in the literature in individuals affected with SLC10A2-related conditions. ClinVar contains an entry for this variant (Variation ID: 2025383). Invitae Evidence Modeling of protein sequence and biophysical properties (such as structural, functional, and spatial information, amino acid conservation, physicochemical variation, residue mobility, and thermodynamic stability) indicates that this missense variant is expected to disrupt SLC10A2 protein function with a positive predictive value of 80%. In summary, the available evidence is currently insufficient to determine the role of this variant in disease. Therefore, it has been classified as a Variant of Uncertain Significance.